The following is an entry in ClinVar:

ClinVar aggregate classification (germline): Pathogenic/Likely pathogenic. Review status: criteria provided, multiple submitters, no conflicts (2 of 4 stars). 2 submissions from 2 submitters: Pathogenic (1); Likely pathogenic (1). Last evaluated 2025-04-29.

Conditions:
Very long chain acyl-CoA dehydrogenase deficiency (ACADVLD). Also called: VLCAD Deficiency; Very Long-Chain Acyl-Coenzyme A Dehydrogenase Deficiency. Identifiers: Orphanet 26793, MedGen C3887523, MONDO:0008723, OMIM 201475.

Allele frequency attached by ClinVar (database versions not stated): gnomAD exomes below 0.00001.
gnomAD v4.1: 1 of 1,614,112 alleles (0.000062%); highest among the groups gnomAD compares: Non-Finnish European, 0.000085%; no homozygotes.

Submissions (2):

Women's Health and Genetics/Laboratory Corporation of America, LabCorp
Classification: Likely pathogenic for Very long chain acyl-CoA dehydrogenase deficiency. Last evaluated: 2025-04-29. Review status: criteria provided, single submitter. Criteria: LabCorp Variant Classification Summary - May 2015. Collection method: clinical testing. Allele origin: germline.
Comment: Variant summary: ACADVL c.1413T>G (p.Phe471Leu) results in a non-conservative amino acid change in the encoded protein sequence. Three of five in-silico tools predict a damaging effect of the variant on protein function. The variant was absent in 251402 control chromosomes. A variant with the same amino acid change (c.1411T>C, p.Phe471Leu) has been observed in at least one homozygous individual affected with mild Very Long Chain Acyl-CoA Dehydrogenase Deficiency (e.g. Diekman_2015). These data indicate that the variant may be associated with disease. At least one publication reports experimental evidence evaluating an impact on protein function showing that the variant resulted in decreased VLCAD enzyme activity but retained residual activity through LC-FAO flux (e.g. Diekman_2015). The following publication has been ascertained in the context of this evaluation (PMID: 25834949). ClinVar contains an entry for this variant (Variation ID: 2727777). Based on the evidence outlined above, the variant was classified as likely pathogenic.

Labcorp Genetics (formerly Invitae), Labcorp
Classification: Pathogenic for Very long chain acyl-CoA dehydrogenase deficiency. Last evaluated: 2024-11-13. Review status: criteria provided, single submitter. Criteria: Invitae Variant Classification Sherloc (09022015). Collection method: clinical testing. Allele origin: germline.
Comment: This sequence change replaces phenylalanine, which is neutral and non-polar, with leucine, which is neutral and non-polar, at codon 471 of the ACADVL protein (p.Phe471Leu). This variant is not present in population databases (gnomAD no frequency). This missense change has been observed in individual(s) with very-long-chain acyl-CoA dehydrogenase deficiency (PMID: 25834949). ClinVar contains an entry for this variant (Variation ID: 2727777). Invitae Evidence Modeling of protein sequence and biophysical properties (such as structural, functional, and spatial information, amino acid conservation, physicochemical variation, residue mobility, and thermodynamic stability) indicates that this missense variant is not expected to disrupt ACADVL protein function with a negative predictive value of 80%. For these reasons, this variant has been classified as Pathogenic.

Literature cited by the submitters: PubMed 25834949 (cited by Women's Health and Genetics/Laboratory Corporation of America, LabCorp and Labcorp Genetics (formerly Invitae), Labcorp).

NM_000018.4(ACADVL):c.1413T>G (p.Phe471Leu)

Gene: ACADVL (acyl-CoA dehydrogenase very long chain; plus strand). Cytogenetic location: 17p13.1.
Variant type: single nucleotide variant.
Coding change: c.1413T>G on transcript NM_000018.4 (MANE Select); coding-DNA position 1413, T replaced by G.
Protein change: p.Phe471Leu; replaces phenylalanine 471 with leucine.
Molecular consequence: missense variant.
Genome position (GRCh38, 1-based): chr17:7,224,048, T>G. VCF-style: chr17-7224048-T-G. GRCh37 (hg19) VCF-style: chr17-7127367-T-G.
Other names: c.1347T>G, p.Phe449Leu (NM_001033859.3); c.1482T>G, p.Phe494Leu (NM_001270447.2); c.1185T>G, p.Phe395Leu (NM_001270448.2); short protein forms F471L, F449L, F395L, F494L.
Identifiers: ClinVar variation 2727777 (VCV002727777.5), dbSNP rs2508350455, ClinGen allele CA397725059.
Genomic context (GRCh38, chr17:7,224,048, plus strand): 5'-GCTCCGAGATCTTCGCATCTTCCGGATCTTTGAGGGGACAAATGACATTCTTCGGCTGTT[T>G]GTGGCTCTGCAGGGCTGTATGGTAAGACAGAGAATTGGGTGGGGGTAGAGGTGGGGAGGA-3'
Protein context (NP_000009.1, residues 461-481): FEGTNDILRL[Phe471Leu]VALQGCMDKG